The following is an entry in ClinVar:

NM_016111.4(TELO2):c.2396C>A (p.Ser799Tyr)

Gene: TELO2 (telomere maintenance 2; plus strand). Cytogenetic location: 16p13.3.
Variant type: single nucleotide variant.
Coding change: c.2396C>A on transcript NM_016111.4 (MANE Select); coding-DNA position 2396, C replaced by A.
Protein change: p.Ser799Tyr; replaces serine 799 with tyrosine.
Molecular consequence: missense variant.
Genome position (GRCh38, 1-based): chr16:1,507,705, C>A. VCF-style: chr16-1507705-C-A. GRCh37 (hg19) VCF-style: chr16-1557706-C-A.
Other names: c.2396C>A, p.Ser799Tyr (NM_001351846.2); short protein forms S799Y.
Identifiers: ClinVar variation 1311212 (VCV001311212.3), dbSNP rs755695672, ClinGen allele CA7812652.

ClinVar aggregate classification (germline): Uncertain significance. Review status: criteria provided, multiple submitters, no conflicts (2 of 4 stars). 2 submissions from 2 submitters: Uncertain significance (2). Last evaluated 2024-02-12.

Conditions:
Inborn genetic diseases. Identifiers: MedGen C0950123, MeSH D030342.

Allele frequency attached by ClinVar (database versions not stated): TOPMed 0.00001; ExAC 0.00003.

Submissions (2):

Ambry Genetics
Classification: Uncertain significance for Inborn genetic diseases. Last evaluated: 2024-02-12. Review status: criteria provided, single submitter. Criteria: Ambry Variant Classification Scheme 2023. Collection method: clinical testing. Allele origin: germline.

GeneDx
Classification: Uncertain significance. Last evaluated: 2020-01-20. Review status: criteria provided, single submitter. Criteria: GeneDx Variant Classification Process June 2021. Collection method: clinical testing. Allele origin: germline. Affected: yes.
Comment: In silico analysis, which includes splice predictors, protein predictors, and evolutionary conservation, supports a deleterious effect; Has not been previously published as pathogenic or benign to our knowledge